The following is an entry in ClinVar:

NM_001164665.2(KIAA1549):c.1746C>T (p.Ala582=)

Gene: KIAA1549 (KIAA1549; minus strand). Cytogenetic location: 7q34.
Variant type: single nucleotide variant.
Coding change: c.1746C>T on transcript NM_001164665.2 (MANE Select); coding-DNA position 1746, C replaced by T.
Protein change: p.Ala582=; no amino-acid change (alanine 582 retained).
Molecular consequence: synonymous variant.
Genome position (GRCh38, 1-based): chr7:138,917,880, G>A on the plus strand (C>T on the coding strand, the complement: KIAA1549 is on the minus strand). VCF-style: chr7-138917880-G-A. GRCh37 (hg19) VCF-style: chr7-138602626-G-A.
Other names: c.1746C>T, p.Ala582= (NM_020910.3).
Identifiers: ClinVar variation 728470 (VCV000728470.35), dbSNP rs148743027, ClinGen allele CA4506643.

ClinVar aggregate classification (germline): Benign/Likely benign. Review status: criteria provided, multiple submitters, no conflicts (2 of 4 stars). 3 submissions from 3 submitters: Benign (1); Likely benign (2). Last evaluated 2026-01-15.

Allele frequency attached by ClinVar (database versions not stated): 1000 Genomes Project 30x 0.00031; 1000 Genomes Project 0.00040; gnomAD exomes 0.00070 and 0.00076; gnomAD 0.00101 and 0.00106; TOPMed 0.00102; ESP Exome Variant Server 0.00106; ExAC 0.00117.
gnomAD v4.1: 1,168 of 1,603,736 alleles (0.073%); highest among the groups gnomAD compares: Admixed American, 0.098%; 1 homozygote.

Submissions (3):

Labcorp Genetics (formerly Invitae), Labcorp
Classification: Benign. Last evaluated: 2026-01-15. Review status: criteria provided, single submitter. Criteria: Invitae Variant Classification Sherloc (09022015). Collection method: clinical testing. Allele origin: germline.

Blueprint Genetics
Classification: Likely benign. Last evaluated: 2024-11-22. Review status: criteria provided, single submitter. Criteria: ACMG Guidelines, 2015. Collection method: clinical testing. Allele origin: germline.

CeGaT Center for Human Genetics Tuebingen
Classification: Likely benign. Last evaluated: 2023-04-01. Review status: criteria provided, single submitter. Criteria: CeGaT Center For Human Genetics Tuebingen Variant Classification Criteria Version 2. Collection method: clinical testing. Allele origin: germline. Affected: yes. Observed: 1 variant allele.
Comment: KIAA1549: BP4, BP7